The following is an entry in ClinVar:

ClinVar aggregate classification (germline): Uncertain significance (1 of 4 stars; one submission).

Conditions:
Combined oxidative phosphorylation defect type 27. Also called: Combined oxidative phosphorylation deficiency 27. Identifiers: Orphanet 477774, MedGen C5567608, MONDO:0014728, OMIM 616672.

Allele frequency attached by ClinVar (database versions not stated): TOPMed below 0.00001.
gnomAD v4.1: 1 of 1,574,994 alleles (0.000063%); highest among the groups gnomAD compares: African/African-American, 0.0013%; no homozygotes.

Submission:

Labcorp Genetics (formerly Invitae), Labcorp
Classification: Uncertain significance for Combined oxidative phosphorylation defect type 27. Last evaluated: 2024-08-05. Review status: criteria provided, single submitter. Criteria: Invitae Variant Classification Sherloc (09022015). Collection method: clinical testing. Allele origin: germline.
Comment: This sequence change falls in intron 11 of the CARS2 gene. It does not directly change the encoded amino acid sequence of the CARS2 protein. It affects a nucleotide within the consensus splice site. This variant is not present in population databases (gnomAD no frequency). This variant has not been reported in the literature in individuals affected with CARS2-related conditions. ClinVar contains an entry for this variant (Variation ID: 2009435). Variants that disrupt the consensus splice site are a relatively common cause of aberrant splicing (PMID: 17576681, 9536098). Algorithms developed to predict the effect of sequence changes on RNA splicing suggest that this variant is not likely to affect RNA splicing. In summary, the available evidence is currently insufficient to determine the role of this variant in disease. Therefore, it has been classified as a Variant of Uncertain Significance.

Literature cited by the submitters: PubMed 17576681; PubMed 9536098.

NM_024537.4(CARS2):c.1193+5G>T

Gene: CARS2 (cysteinyl-tRNA synthetase 2, mitochondrial; minus strand). Cytogenetic location: 13q34.
Variant type: single nucleotide variant.
Coding change: c.1193+5G>T on transcript NM_024537.4 (MANE Select); 5 bases into the intron after coding-DNA position 1193, G replaced by T.
Molecular consequence: intron variant.
Genome position (GRCh38, 1-based): chr13:110,647,096, C>A on the plus strand (G>T on the coding strand, the complement: CARS2 is on the minus strand). VCF-style: chr13-110647096-C-A. GRCh37 (hg19) VCF-style: chr13-111299443-C-A.
Other names: c.407+5G>T (NM_001352252.2).
Identifiers: ClinVar variation 2009435 (VCV002009435.4), dbSNP rs1210663538, ClinGen allele CA695051202.